The following is an entry in ClinVar:

ClinVar aggregate classification (germline): Likely benign. Review status: criteria provided, multiple submitters, no conflicts (2 of 4 stars). 5 submissions from 5 submitters: Likely benign (4). 1 of the submissions does not count toward it. Last evaluated 2024-12-29.

Conditions:
TP63-related disorder. Also called: TP63-Related Disorders; TP63-related condition. Identifiers: MedGen CN380159.
ADULT syndrome. Also called: Acro-dermato-ungual-lacrimal-tooth (adult) syndrome; ACRO-DERMATO-UNGUAL-LACRIMAL-TOOTH SYNDROME; Acro-Dermo-Ungual-Lacrimal-Tooth Syndrome (ADULT Syndrome). Identifiers: Orphanet 978, MedGen C1863204, MONDO:0007072, OMIM 103285.
Ectrodactyly, ectodermal dysplasia, and cleft lip-palate syndrome 3. Also called: Ectrodactyly, Ectodermal Dysplasia, Clefting Syndrome; EEC SYNDROME 3; Ectrodactyly, Ectodermal Dysplasia, Cleft Lip/Palate Syndrome 3 (EEC3); Ectrodactyly, Ectodermal Dysplasia, Clefting Syndrome Type 3 (EEC3). Identifiers: Orphanet 1896, MedGen C1858562, MONDO:0011428, OMIM 604292.
Limb-mammary syndrome (LMS). Also called: Mammary hypoplasia, ectrodactyly, and other hand/foot anomalies. Identifiers: Orphanet 69085, MedGen C1863753, MONDO:0011334, OMIM 603543.
Rapp-Hodgkin syndrome (RHS). Also called: ECTODERMAL DYSPLASIA, ANHIDROTIC, WITH CLEFT LIP/PALATE; Isolated Cleft Lip/Cleft Palate (Orofacial Cleft 8); Rapp-Hodgkin ectodermal dysplasia syndrome. Identifiers: MedGen C1785148, MONDO:0007508, OMIM 129400.
Split hand-foot malformation 4. Also called: Split-Hand/Foot Malformation Type 4 (SHFM4); Split-Hand/Foot Malformation Type 4 (SHFM4 syndrome). Identifiers: Orphanet 2440, MedGen C1854442, MONDO:0011535, OMIM 605289.
Ankyloblepharon-ectodermal defects-cleft lip/palate syndrome. Also called: Ankyloblepharon-ectodermal defects, cleft lip/palate; AEC SYNDROME; Hay-Wells syndrome of ectodermal dysplasia; Ankyloblepharon-Ectodermal Defects-Cleft Lip/Palate Syndrome (AEC Syndrome); HAY-WELLS SYNDROME. Identifiers: Orphanet 1071, MedGen C0406709, MONDO:0007124, OMIM 106260.
Orofacial cleft 8. Also called: Cleft lip with or without cleft palate, nonsyndromic, 8. Identifiers: MedGen C1851878, MONDO:0029145, OMIM 618149.
TP63-Related Spectrum Disorders.

Allele frequency attached by ClinVar (database versions not stated): gnomAD 0.00017 and 0.00018; ExAC 0.00018; gnomAD exomes 0.00020 and 0.00046; TOPMed 0.00022.
gnomAD v4.1: 687 of 1,614,048 alleles (0.043%); highest among the groups gnomAD compares: Non-Finnish European, 0.055%; no homozygotes.

Submissions (5):

Labcorp Genetics (formerly Invitae), Labcorp
Classification: Likely benign. Last evaluated: 2024-12-29. Review status: criteria provided, single submitter. Criteria: Invitae Variant Classification Sherloc (09022015). Collection method: clinical testing. Allele origin: germline.

Blueprint Genetics
Classification: Likely benign. Last evaluated: 2024-09-23. Review status: criteria provided, single submitter. Criteria: ACMG Guidelines, 2015. Collection method: clinical testing. Allele origin: germline.

Fulgent Genetics
Classification: Likely benign for ADULT syndrome; Ankyloblepharon-ectodermal defects-cleft lip/palate syndrome; Rapp-Hodgkin syndrome; Limb-mammary syndrome; Ectrodactyly, ectodermal dysplasia, and cleft lip-palate syndrome 3; Split hand-foot malformation 4; Orofacial cleft 8. Last evaluated: 2021-09-13. Review status: criteria provided, single submitter. Criteria: ACMG Guidelines, 2015. Collection method: clinical testing. Allele origin: unknown.

GeneDx
Classification: Likely benign. Last evaluated: 2020-12-15. Review status: criteria provided, single submitter. Criteria: GeneDx Variant Classification Process June 2021. Collection method: clinical testing. Allele origin: germline. Affected: yes.
Comment: See Variant Classification Assertion Criteria.

PreventionGenetics, part of Exact Sciences
Classification: Likely benign for TP63-related condition. Last evaluated: 2019-05-14. Review status: no assertion criteria provided. Collection method: clinical testing. Allele origin: germline. Not counted in ClinVar's aggregate classification.
Comment: This variant is classified as likely benign based on ACMG/AMP sequence variant interpretation guidelines (Richards et al. 2015 PMID: 25741868, with internal and published modifications).

NM_003722.5(TP63):c.1599C>T (p.Ser533=)

Gene: TP63 (tumor protein p63; plus strand). Cytogenetic location: 3q28.
Variant type: single nucleotide variant.
Coding change: c.1599C>T on transcript NM_003722.5 (MANE Select); coding-DNA position 1599, C replaced by T.
Protein change: p.Ser533=; no amino-acid change (serine 533 retained).
Molecular consequence: synonymous variant. On other transcripts: intron variant (4).
Genome position (GRCh38, 1-based): chr3:189,889,431, C>T. VCF-style: chr3-189889431-C-T. GRCh37 (hg19) VCF-style: chr3-189607220-C-T.
Other names: c.1599C>T, p.Ser533= (NM_001114978.2); c.1317C>T, p.Ser439= (NM_001114980.2, NM_001114981.2); c.1062C>T, p.Ser354= (NM_001329146.2); c.1587C>T, p.Ser529= (NM_001329148.2); c.1593C>T, p.Ser531= (NM_001329964.2); c.1507+2880C>T (NM_001329144.2); c.1225+2880C>T (NM_001329145.2); c.1213+2880C>T (NM_001329149.2); and 1 more.
Identifiers: ClinVar variation 767371 (VCV000767371.12), dbSNP rs758093495, ClinGen allele CA2752527.
Genomic context (GRCh38, chr3:189,889,431, plus strand): 5'-TGGAGACATGAATGGACTCAGCCCCACCCAGGCACTCCCTCCCCCACTCTCCATGCCATC[C>T]ACCTCCCACTGCACACCCCCACCTCCGTATCCCACAGATTGCAGCATTGTCAGGTGAGTC-3'
Protein context (NP_003713.3, residues 523-543): QALPPPLSMP[Ser533=]TSHCTPPPPY